The following is an entry in ClinVar:

ClinVar aggregate classification (germline): Uncertain significance (1 of 4 stars; one submission).

Submission:

Labcorp Genetics (formerly Invitae), Labcorp
Classification: Uncertain significance. Last evaluated: 2022-06-13. Review status: criteria provided, single submitter. Criteria: Invitae Variant Classification Sherloc (09022015). Collection method: clinical testing. Allele origin: germline.
Comment: In summary, the available evidence is currently insufficient to determine the role of this variant in disease. Therefore, it has been classified as a Variant of Uncertain Significance. Algorithms developed to predict the effect of sequence changes on RNA splicing suggest that this variant may create or strengthen a splice site. Algorithms developed to predict the effect of missense changes on protein structure and function (SIFT, PolyPhen-2, Align-GVGD) all suggest that this variant is likely to be tolerated. This variant has not been reported in the literature in individuals affected with DGAT1-related conditions. This variant is not present in population databases (gnomAD no frequency). This sequence change replaces alanine, which is neutral and non-polar, with serine, which is neutral and polar, at codon 144 of the DGAT1 protein (p.Ala144Ser).

NM_012079.6(DGAT1):c.430G>T (p.Ala144Ser)

Gene: DGAT1 (diacylglycerol O-acyltransferase 1; minus strand). Cytogenetic location: 8q24.3.
Variant type: single nucleotide variant.
Coding change: c.430G>T on transcript NM_012079.6 (MANE Select); coding-DNA position 430, G replaced by T.
Protein change: p.Ala144Ser; replaces alanine 144 with serine.
Molecular consequence: missense variant.
Genome position (GRCh38, 1-based): chr8:144,318,737, C>A on the plus strand (G>T on the coding strand, the complement: DGAT1 is on the minus strand). VCF-style: chr8-144318737-C-A. GRCh37 (hg19) VCF-style: chr8-145542400-C-A.
Other names: short protein forms A144S.
Identifiers: ClinVar variation 1357283 (VCV001357283.6), dbSNP rs2130523430, ClinGen allele CA372612615.